The following is an entry in ClinVar:

NM_001173393.3(HAVCR1):c.618A>G (p.Thr206=)

Gene: HAVCR1 (hepatitis A virus cellular receptor 1; minus strand). Cytogenetic location: 5q33.3.
Variant type: single nucleotide variant.
Coding change: c.618A>G on transcript NM_001173393.3 (MANE Select); coding-DNA position 618, A replaced by G.
Protein change: p.Thr206=; no amino-acid change (threonine 206 retained).
Molecular consequence: synonymous variant.
Genome position (GRCh38, 1-based): chr5:157,052,416, T>C on the plus strand (A>G on the coding strand, the complement: HAVCR1 is on the minus strand). VCF-style: chr5-157052416-T-C. GRCh37 (hg19) VCF-style: chr5-156479427-T-C.
Other names: c.618A>G, p.Thr206= (NM_001308156.2, NM_012206.3).
Identifiers: ClinVar variation 3034055 (VCV003034055.2), dbSNP rs757901489, ClinGen allele CA3531534.

ClinVar aggregate classification (germline): Likely benign (0 of 4 stars; one submission).

Conditions:
HAVCR1-related disorder. Also called: HAVCR1-related condition.

Allele frequency attached by ClinVar (database versions not stated): gnomAD exomes 0.00003; gnomAD 0.00006; TOPMed 0.00008; ExAC 0.00009.
gnomAD v4.1: 52 of 1,610,786 alleles (0.0032%); highest among the groups gnomAD compares: Admixed American, 0.059%; no homozygotes.

Submission:

PreventionGenetics, part of Exact Sciences
Classification: Likely benign for HAVCR1-related condition. Last evaluated: 2019-02-19. Review status: no assertion criteria provided. Collection method: clinical testing. Allele origin: germline.
Comment: This variant is classified as likely benign based on ACMG/AMP sequence variant interpretation guidelines (Richards et al. 2015 PMID: 25741868, with internal and published modifications).